The following is an entry in ClinVar:

NC_000001.10:g.(?_227165130)_(227174438_?)del

Gene: COQ8A (coenzyme Q8A; plus strand). Cytogenetic location: 1q42.13.
Variant type: Deletion.
Identifiers: ClinVar variation 1458808 (VCV001458808.4).

ClinVar aggregate classification (germline): Pathogenic (1 of 4 stars; one submission).

Submission:

Labcorp Genetics (formerly Invitae), Labcorp
Classification: Pathogenic. Last evaluated: 2021-12-02. Review status: criteria provided, single submitter. Criteria: Invitae Variant Classification Sherloc (09022015). Collection method: clinical testing. Allele origin: germline.
Comment: For these reasons, this variant has been classified as Pathogenic. This variant disrupts a region of the COQ8A protein in which other variant(s) (p.Thr511Met) have been determined to be pathogenic (PMID: 29915382, 30637285). This suggests that this is a clinically significant region of the protein, and that variants that disrupt it are likely to be disease-causing. This variant has not been reported in the literature in individuals affected with COQ8A-related conditions. This variant is a gross deletion of the genomic region encompassing exon(s) 5-15 of the COQ8A gene, which includes the termination codon. This deletion extends beyond the assayed region for this gene and therefore may encompass additional genes. While this deletion is not anticipated to lead to nonsense mediated decay, it is expected to alter mRNA translation or result in a truncated protein product.

Literature cited by the submitters: PubMed 29915382; PubMed 30637285.